The following is an entry in ClinVar:

NM_001267550.2(TTN):c.50801T>C (p.Ile16934Thr)

Genes: TTN (titin; minus strand), TTN-AS1 (TTN antisense RNA 1; plus strand). Cytogenetic location: 2q31.2.
Variant type: single nucleotide variant.
Coding change: c.50801T>C on transcript NM_001267550.2 (MANE Select); coding-DNA position 50801, T replaced by C.
Protein change: p.Ile16934Thr; replaces isoleucine 16934 with threonine.
Molecular consequence: missense variant.
Genome position (GRCh38, 1-based): chr2:178,611,428, A>G on the plus strand (T>C on the coding strand, the complement: TTN is on the minus strand). VCF-style: chr2-178611428-A-G. GRCh37 (hg19) VCF-style: chr2-179476155-A-G.
Other names: c.45878T>C, p.Ile15293Thr (NM_001256850.1); c.23606T>C, p.Ile7869Thr (NM_003319.4); c.43097T>C, p.Ile14366Thr (NM_133378.4); c.23981T>C, p.Ile7994Thr (NM_133432.3); c.24182T>C, p.Ile8061Thr (NM_133437.4); short protein forms I14366T, I15293T, I16934T, I7869T, I7994T, I8061T.
Identifiers: ClinVar variation 4080652 (VCV004080652.7).
Genomic context (GRCh38, chr2:178,611,428, plus strand): 5'-TTACAGTCTGGGTCTTTGGCAACCACATTTTCAGAGATTTCAGATGGCTCGCTGACACCA[A>G]TAGCATTGACTGCTCTCACTCTCAGGACATATTCTTTGTCAGGAACAACACCTTCTTCAA-3'
Protein context (NP_001254479.2, residues 16924-16944): YVLRVRAVNA[Ile16934Thr]GVSEPSEISE

ClinVar aggregate classification (germline): Uncertain significance. Review status: criteria provided, multiple submitters, no conflicts (2 of 4 stars). 2 submissions from 2 submitters: Uncertain significance (2). Last evaluated 2025-10-01.

gnomAD v4.1: 11 of 1,612,882 alleles (0.00068%); highest among the groups gnomAD compares: Non-Finnish European, 0.00093%; no homozygotes.

Submissions (2):

CeGaT Center for Human Genetics Tuebingen
Classification: Uncertain significance. Last evaluated: 2025-10-01. Review status: criteria provided, single submitter. Criteria: CeGaT Center For Human Genetics Tuebingen Variant Classification Criteria Version 2. Collection method: clinical testing. Allele origin: germline. Affected: yes. Observed: 1 variant allele.
Comment: TTN: PM2, BP4

Revvity Omics, Revvity
Classification: Uncertain significance. Last evaluated: 2024-05-21. Review status: criteria provided, single submitter. Criteria: ACMG Guidelines, 2015. Collection method: clinical testing. Allele origin: germline.